The following is an entry in ClinVar:

NM_004336.5(BUB1):c.1007G>A (p.Arg336Lys)

Gene: BUB1 (BUB1 mitotic checkpoint serine/threonine kinase; minus strand). Cytogenetic location: 2q13.
Variant type: single nucleotide variant.
Coding change: c.1007G>A on transcript NM_004336.5 (MANE Select); coding-DNA position 1007, G replaced by A.
Protein change: p.Arg336Lys; replaces arginine 336 with lysine.
Molecular consequence: missense variant.
Genome position (GRCh38, 1-based): chr2:110,661,792, C>T on the plus strand (G>A on the coding strand, the complement: BUB1 is on the minus strand). VCF-style: chr2-110661792-C-T. GRCh37 (hg19) VCF-style: chr2-111419369-C-T.
Other names: c.947G>A, p.Arg316Lys (NM_001278616.2); c.1007G>A, p.Arg336Lys (NM_001278617.2); short protein forms R336K, R316K.
Identifiers: ClinVar variation 1787973 (VCV001787973.2), dbSNP rs1690107983, ClinGen allele CA348214609.
Genomic context (GRCh38, chr2:110,661,792, plus strand): 5'-CTTGGGTTCTTTTCCATGTTCACTGGTGTCTGCTGATAGGTTACTGGAAGACATGGCGCT[C>T]TCAGTTCCTGCTGGGAGCCTACACTTGGCCCCATACGTGCTGGATTAACCTTTCATATTA-3'
Protein context (NP_004327.1, residues 326-346): GPSVGSQQEL[Arg336Lys]APCLPVTYQQ

ClinVar aggregate classification (germline): Uncertain significance (1 of 4 stars; one submission).

Allele frequency attached by ClinVar (database versions not stated): gnomAD exomes below 0.00001; gnomAD 0.00001.
gnomAD v4.1: 2 of 1,614,092 alleles (0.00012%); highest among the groups gnomAD compares: Admixed American, 0.0033%; no homozygotes.

Submission:

Ambry Genetics
Classification: Uncertain significance. Last evaluated: 2022-08-28. Review status: criteria provided, single submitter. Criteria: Ambry Variant Classification Scheme 2023. Collection method: clinical testing. Allele origin: germline.
Comment: The p.R336K variant (also known as c.1007G>A), located in coding exon 10 of the BUB1 gene, results from a G to A substitution at nucleotide position 1007. The arginine at codon 336 is replaced by lysine, an amino acid with highly similar properties. This amino acid position is conserved. In addition, this alteration is predicted to be tolerated by in silico analysis. Since supporting evidence is limited at this time, the clinical significance of this alteration remains unclear.